The following is an entry in ClinVar:

ClinVar aggregate classification (germline): Pathogenic (1 of 4 stars; one submission).

Submission:

Labcorp Genetics (formerly Invitae), Labcorp
Classification: Pathogenic. Last evaluated: 2024-11-11. Review status: criteria provided, single submitter. Criteria: Invitae Variant Classification Sherloc (09022015). Collection method: clinical testing. Allele origin: germline.
Comment: This sequence change creates a premature translational stop signal (p.Arg241*) in the MBTPS1 gene. It is expected to result in an absent or disrupted protein product. Loss-of-function variants in MBTPS1 are known to be pathogenic (PMID: 30046013). This variant is not present in population databases (gnomAD no frequency). This variant has not been reported in the literature in individuals affected with MBTPS1-related conditions. Experimental studies and prediction algorithms are not available or were not evaluated, and the functional significance of this variant is currently unknown. For these reasons, this variant has been classified as Pathogenic.

Literature cited by the submitters: PubMed 30046013.

NM_003791.4(MBTPS1):c.721C>T (p.Arg241Ter)

Gene: MBTPS1 (membrane bound transcription factor peptidase, site 1; minus strand). Cytogenetic location: 16q23.3.
Variant type: single nucleotide variant.
Coding change: c.721C>T on transcript NM_003791.4 (MANE Select); coding-DNA position 721, C replaced by T.
Protein change: p.Arg241Ter; replaces arginine 241 with a stop codon.
Molecular consequence: nonsense.
Genome position (GRCh38, 1-based): chr16:84,093,726, G>A on the plus strand (C>T on the coding strand, the complement: MBTPS1 is on the minus strand). VCF-style: chr16-84093726-G-A. GRCh37 (hg19) VCF-style: chr16-84127331-G-A.
Other names: short protein forms R241*.
Identifiers: ClinVar variation 3686776 (VCV003686776.2).